The following is an entry in ClinVar:

NM_080425.4(GNAS):c.200C>T (p.Ala67Val)

Gene: GNAS (GNAS complex locus; plus strand). Cytogenetic location: 20q13.32.
Variant type: single nucleotide variant.
Coding change: c.200C>T on transcript NM_080425.4 (MANE Plus Clinical); coding-DNA position 200, C replaced by T.
Protein change: p.Ala67Val; replaces alanine 67 with valine.
Molecular consequence: missense variant. On other transcripts: intron variant (3).
Genome position (GRCh38, 1-based): chr20:58,853,465, C>T. VCF-style: chr20-58853465-C-T. GRCh37 (hg19) VCF-style: chr20-57428520-C-T.
Other names: c.13C>T, p.Pro5Ser (NM_001077490.3, NM_001309883.1); c.200C>T, p.Ala67Val (NM_001410913.1); c.*42+12579C>T (NM_016592.5); c.43+12579C>T (NM_001410912.1); c.-39+11590C>T (NM_001309861.2); short protein forms A67V, P5S.
Identifiers: ClinVar variation 2577736 (VCV002577736.1), dbSNP rs779963876, ClinGen allele CA9926436.

ClinVar aggregate classification (germline): Uncertain significance (1 of 4 stars; one submission).

Allele frequency attached by ClinVar (database versions not stated): gnomAD 0.00002; ExAC 0.00001; TOPMed 0.00002.
gnomAD v4.1: 18 of 1,612,356 alleles (0.0011%); highest among the groups gnomAD compares: African/African-American, 0.0013%; no homozygotes.

Submission:

GeneDx
Classification: Uncertain significance. Last evaluated: 2023-02-25. Review status: criteria provided, single submitter. Criteria: GeneDx Variant Classification Process June 2021. Collection method: clinical testing. Allele origin: germline. Affected: yes.
Comment: In silico analysis supports that this missense variant does not alter protein structure/function; Reported using an alternate transcript of the gene; Has not been previously published as pathogenic or benign to our knowledge